The following is an entry in ClinVar:

ClinVar aggregate classification (germline): Likely benign (1 of 4 stars; one submission).

Conditions:
PKD1L1-related disorder. Also called: PKD1L1-related condition.

gnomAD v4.1: 2 of 1,614,212 alleles (0.00012%); no homozygotes.

Submission:

PreventionGenetics, part of Exact Sciences
Classification: Likely benign for PKD1L1-related condition. Last evaluated: 2025-07-22. Review status: criteria provided, single submitter. Criteria: ACMG Guidelines, 2015. Collection method: clinical testing. Allele origin: germline.
Comment: This variant is classified as likely benign based on ACMG/AMP sequence variant interpretation guidelines (Richards et al. 2015 PMID: 25741868, with internal and published modifications).

NM_138295.5(PKD1L1):c.2904G>A (p.Gln968=)

Gene: PKD1L1 (polycystin 1 like 1, transient receptor potential channel interacting; minus strand). Cytogenetic location: 7p12.3.
Variant type: single nucleotide variant.
Coding change: c.2904G>A on transcript NM_138295.5 (MANE Select); coding-DNA position 2904, G replaced by A.
Protein change: p.Gln968=; no amino-acid change (glutamine 968 retained).
Molecular consequence: synonymous variant.
Genome position (GRCh38, 1-based): chr7:47,885,987, C>T on the plus strand (G>A on the coding strand, the complement: PKD1L1 is on the minus strand). VCF-style: chr7-47885987-C-T. GRCh37 (hg19) VCF-style: chr7-47925585-C-T.
Identifiers: ClinVar variation 4983304 (VCV004983304.1).